The following is an entry in ClinVar:

ClinVar aggregate classification (germline): Benign/Likely benign. Review status: criteria provided, multiple submitters, no conflicts (2 of 4 stars). 5 submissions from 5 submitters: Benign (2); Likely benign (2). 1 of the submissions does not count toward it. Last evaluated 2025-12-08.

Conditions:
Vesicoureteral reflux 2 (VUR2). Identifiers: Orphanet 289365, MedGen C1970483, MONDO:0012573, OMIM 610878.
ROBO2-related disorder. Also called: ROBO2-related condition.

Allele frequency attached by ClinVar (database versions not stated): gnomAD exomes 0.00020 and 0.00062; ExAC 0.00075; 1000 Genomes Project 0.00200; 1000 Genomes Project 30x 0.00219; gnomAD 0.00235 and 0.00255; TOPMed 0.00261; ESP Exome Variant Server 0.00292.
gnomAD v4.1: 656 of 1,613,894 alleles (0.041%); highest among the groups gnomAD compares: African/African-American, 0.8%; 3 homozygotes.

Submissions (5):

Labcorp Genetics (formerly Invitae), Labcorp
Classification: Benign. Last evaluated: 2025-12-08. Review status: criteria provided, single submitter. Criteria: Invitae Variant Classification Sherloc (09022015). Collection method: clinical testing. Allele origin: germline.

Blueprint Genetics
Classification: Likely benign. Last evaluated: 2024-10-18. Review status: criteria provided, single submitter. Criteria: ACMG Guidelines, 2015. Collection method: clinical testing. Allele origin: germline.

Fulgent Genetics
Classification: Likely benign for Vesicoureteral reflux 2. Last evaluated: 2021-08-13. Review status: criteria provided, single submitter. Criteria: ACMG Guidelines, 2015. Collection method: clinical testing. Allele origin: unknown.

Breakthrough Genomics
Classification: Benign. Review status: criteria provided, single submitter. Criteria: ACMG Guidelines, 2015. Collection method: not provided. Allele origin: germline. Inheritance: Autosomal dominant inheritance. Affected: yes.

PreventionGenetics, part of Exact Sciences
Classification: Benign for ROBO2-related condition. Last evaluated: 2019-07-16. Review status: no assertion criteria provided. Collection method: clinical testing. Allele origin: germline. Not counted in ClinVar's aggregate classification.
Comment: This variant is classified as benign based on ACMG/AMP sequence variant interpretation guidelines (Richards et al. 2015 PMID: 25741868, with internal and published modifications).

NM_001395656.1(ROBO2):c.2742T>C (p.Arg914=)

Gene: ROBO2 (roundabout guidance receptor 2; plus strand). Cytogenetic location: 3p12.3.
Variant type: single nucleotide variant.
Coding change: c.2742T>C on transcript NM_001395656.1 (MANE Select); coding-DNA position 2742, T replaced by C.
Protein change: p.Arg914=; no amino-acid change (arginine 914 retained).
Molecular consequence: synonymous variant.
Genome position (GRCh38, 1-based): chr3:77,596,626, T>C. VCF-style: chr3-77596626-T-C. GRCh37 (hg19) VCF-style: chr3-77645777-T-C.
Other names: c.2778T>C, p.Arg926= (NM_001128929.3); c.2742T>C, p.Arg914= (NM_001290039.2, NM_001290040.2, NM_001378202.1); c.951T>C, p.Arg317= (NM_001290065.2); c.2790T>C, p.Arg930= (NM_001378190.1, NM_001378191.1, NM_001378195.1 and 4 more transcripts); c.2811T>C, p.Arg937= (NM_001378192.1, NM_001378194.1, NM_001378198.1 and 2 more transcripts); c.2730T>C, p.Arg910= (NM_001378193.1, NM_001378197.1, NM_002942.5); c.2799T>C, p.Arg933= (NM_001394212.1, NM_001394214.1, NM_001395657.1).
Identifiers: ClinVar variation 1589096 (VCV001589096.13), dbSNP rs183858273, ClinGen allele CA2497420.
Genomic context (GRCh38, chr3:77,596,626, plus strand): 5'-GTGTCAAAATCTTGCATTGAGCTCCATGTGTTGATTTCCTTGTAATTTCTGTTTTAGCCG[T>C]CCAGGTCTTCTCAATGCTGGTGATCCCAGCTATCCATGGCTTGCTGATTCTTGGCCAGCC-3'
Protein context (NP_001382585.1, residues 904-924): GDGGLMSNGS[Arg914=]PGLLNAGDPS